The following is an entry in ClinVar:

NM_005428.4(VAV1):c.2216C>A (p.Thr739Lys)

Gene: VAV1 (vav guanine nucleotide exchange factor 1; plus strand). Cytogenetic location: 19p13.3.
Variant type: single nucleotide variant.
Coding change: c.2216C>A on transcript NM_005428.4 (MANE Select); coding-DNA position 2216, C replaced by A.
Protein change: p.Thr739Lys; replaces threonine 739 with lysine.
Molecular consequence: missense variant.
Genome position (GRCh38, 1-based): chr19:6,850,756, C>A. VCF-style: chr19-6850756-C-A. GRCh37 (hg19) VCF-style: chr19-6850767-C-A.
Other names: c.2150C>A, p.Thr717Lys (NM_001258206.2); c.2120C>A, p.Thr707Lys (NM_001258207.2); short protein forms T717K, T739K, T707K.
Identifiers: ClinVar variation 1517853 (VCV001517853.6), dbSNP rs36097961, ClinGen allele CA403636113.

ClinVar aggregate classification (germline): Uncertain significance (1 of 4 stars; one submission).

gnomAD v4.1: 5 of 1,613,838 alleles (0.00031%); highest among the groups gnomAD compares: Non-Finnish European, 0.00042%; no homozygotes.

Submission:

Labcorp Genetics (formerly Invitae), Labcorp
Classification: Uncertain significance. Last evaluated: 2021-10-03. Review status: criteria provided, single submitter. Criteria: Invitae Variant Classification Sherloc (09022015). Collection method: clinical testing. Allele origin: germline.
Comment: In summary, the available evidence is currently insufficient to determine the role of this variant in disease. Therefore, it has been classified as a Variant of Uncertain Significance. Algorithms developed to predict the effect of missense changes on protein structure and function are either unavailable or do not agree on the potential impact of this missense change (SIFT: "Deleterious"; PolyPhen-2: "Benign"; Align-GVGD: "Class C0"). This variant has not been reported in the literature in individuals affected with VAV1-related conditions. This variant is not present in population databases (ExAC no frequency). This sequence change replaces threonine with lysine at codon 739 of the VAV1 protein (p.Thr739Lys). The threonine residue is weakly conserved and there is a moderate physicochemical difference between threonine and lysine.